The following is an entry in ClinVar:

NM_001127178.3(PIGG):c.974C>G (p.Pro325Arg)

Gene: PIGG (phosphatidylinositol glycan anchor biosynthesis class G (EMM blood group); plus strand). Cytogenetic location: 4p16.3.
Variant type: single nucleotide variant.
Coding change: c.974C>G on transcript NM_001127178.3 (MANE Select); coding-DNA position 974, C replaced by G.
Protein change: p.Pro325Arg; replaces proline 325 with arginine.
Molecular consequence: missense variant. On other transcripts: 5 prime UTR variant (4), non-coding transcript variant (10).
Genome position (GRCh38, 1-based): chr4:516,045, C>G. VCF-style: chr4-516045-C-G. GRCh37 (hg19) VCF-style: chr4-509834-C-G.
Other names: c.974C>G (NM_001127178.1); c.707C>G, p.Pro236Arg (NM_001289051.2, NM_001289053.2, NM_001289057.2 and 2 more transcripts); c.575C>G, p.Pro192Arg (NM_001289052.2); c.608C>G, p.Pro203Arg (NM_001289055.2); c.-56C>G (NM_001345988.2); c.974C>G, p.Pro325Arg (NM_001345989.2, NM_017733.5); c.-652C>G (NM_001345990.2); c.-514C>G (NM_001345991.2); and 1 more; short protein forms P325R, P236R, P192R, P203R.
Identifiers: ClinVar variation 542895 (VCV000542895.7), dbSNP rs746660978, ClinGen allele CA91056960.
Genomic context (GRCh38, chr4:516,045, plus strand): 5'-ATCCAAAGCACGTCCAACAGACGGATGTGGCTGCGACACTGGCGATAGCACTTGGCTTAC[C>G]GATTCCAAAAGACAGTGTAGGGAGCCTCCTATTCCCAGTTGTGGAAGGAAGACCAATGAG-3'
Protein context (NP_001120650.1, residues 315-335): AATLAIALGL[Pro325Arg]IPKDSVGSLL

ClinVar aggregate classification (germline): Uncertain significance. Review status: criteria provided, multiple submitters, no conflicts (2 of 4 stars). 3 submissions from 3 submitters: Uncertain significance (3). Last evaluated 2024-01-23.

Conditions:
Inborn genetic diseases. Identifiers: MedGen C0950123, MeSH D030342.
Intellectual disability, autosomal recessive 53 (NEDHSCA). Also called: GLYCOSYLPHOSPHATIDYLINOSITOL BIOSYNTHESIS DEFECT 13; Mental retardation, autosomal recessive 53; NEURODEVELOPMENTAL DISORDER WITH OR WITHOUT HYPOTONIA, SEIZURES, AND CEREBELLAR ATROPHY. Identifiers: Orphanet 488635, MedGen C4310794, MONDO:0014832, OMIM 616917.

gnomAD v4.1: 25 of 1,614,170 alleles (0.0015%); highest among the groups gnomAD compares: Middle Eastern, 0.033%; 1 homozygote.

Submissions (3):

Blueprint Genetics
Classification: Uncertain significance. Last evaluated: 2024-01-23. Review status: criteria provided, single submitter. Criteria: ACMG Guidelines, 2015. Collection method: clinical testing. Allele origin: germline.

Labcorp Genetics (formerly Invitae), Labcorp
Classification: Uncertain significance for Intellectual disability, autosomal recessive 53. Last evaluated: 2022-09-27. Review status: criteria provided, single submitter. Criteria: Invitae Variant Classification Sherloc (09022015). Collection method: clinical testing. Allele origin: germline.
Comment: This sequence change replaces proline, which is neutral and non-polar, with arginine, which is basic and polar, at codon 325 of the PIGG protein (p.Pro325Arg). This variant is present in population databases (no rsID available, gnomAD 0.003%). This variant has not been reported in the literature in individuals affected with PIGG-related conditions. ClinVar contains an entry for this variant (Variation ID: 542895). Advanced modeling of protein sequence and biophysical properties (such as structural, functional, and spatial information, amino acid conservation, physicochemical variation, residue mobility, and thermodynamic stability) performed at Invitae indicates that this missense variant is expected to disrupt PIGG protein function. In summary, the available evidence is currently insufficient to determine the role of this variant in disease. Therefore, it has been classified as a Variant of Uncertain Significance.

Ambry Genetics
Classification: Uncertain significance for Inborn genetic diseases. Last evaluated: 2022-07-05. Review status: criteria provided, single submitter. Criteria: Ambry Variant Classification Scheme 2023. Collection method: clinical testing. Allele origin: germline.